The following is an entry in ClinVar:

NM_000264.5(PTCH1):c.1081C>T (p.Gln361Ter)

Gene: PTCH1 (patched 1; minus strand). Cytogenetic location: 9q22.32.
Variant type: single nucleotide variant.
Coding change: c.1081C>T on transcript NM_000264.5 (MANE Select); coding-DNA position 1081, C replaced by T.
Protein change: p.Gln361Ter; replaces glutamine 361 with a stop codon.
Molecular consequence: nonsense. On other transcripts: non-coding transcript variant (1).
Genome position (GRCh38, 1-based): chr9:95,479,134, G>A on the plus strand (C>T on the coding strand, the complement: PTCH1 is on the minus strand). VCF-style: chr9-95479134-G-A. GRCh37 (hg19) VCF-style: chr9-98241416-G-A.
Other names: c.883C>T, p.Gln295Ter (NM_001083602.3); c.1078C>T, p.Gln360Ter (NM_001083603.3); c.628C>T, p.Gln210Ter (NM_001083604.3, NM_001083605.3, NM_001083606.3 and 1 more transcripts); c.1081C>T, p.Gln361Ter (NM_001354918.2); short protein forms Q295*, Q360*, Q361*.
Identifiers: ClinVar variation 8213 (VCV000008213.9), dbSNP rs199476090, ClinGen allele CA254337.

ClinVar aggregate classification (germline): Pathogenic (1 of 4 stars; one submission).

Conditions:
Gorlin syndrome. Also called: Basal cell nevus syndrome; Nevoid Basal Cell Carcinoma Syndrome. Identifiers: Orphanet 377, MedGen C0004779, MONDO:0007187.

Submission:

Labcorp Genetics (formerly Invitae), Labcorp
Classification: Pathogenic for Gorlin syndrome. Last evaluated: 2017-11-04. Review status: criteria provided, single submitter. Criteria: Invitae Variant Classification Sherloc (09022015). Collection method: clinical testing. Allele origin: germline.
Comment: For these reasons, this variant has been classified as Pathogenic. Loss-of-function variants in PTCH1 are known to be pathogenic. This particular variant has been reported to segregate with disease in one family affected with nevoid basal cell carcinoma syndrome (NBCCS) (PMID: 8681379). This variant is also known as Q210X in the literature. This sequence change creates a premature translational stop signal at codon 361 (p.Gln361*) of the PTCH1 gene. It is expected to result in an absent or disrupted protein product.

Literature cited by the submitters: PubMed 8681379.